The following is an entry in ClinVar:

ClinVar aggregate classification (germline): Uncertain significance (1 of 4 stars; one submission).

gnomAD v4.1: 2 of 1,614,122 alleles (0.00012%); highest among the groups gnomAD compares: Non-Finnish European, 0.00017%; no homozygotes.

Submission:

Ambry Genetics
Classification: Uncertain significance. Last evaluated: 2025-10-30. Review status: criteria provided, single submitter. Criteria: Ambry Variant Classification Scheme 2023. Collection method: clinical testing. Allele origin: germline.
Comment: The p.P22S variant (also known as c.64C>T), located in coding exon 1 of the TET2 gene, results from a C to T substitution at nucleotide position 64. The proline at codon 22 is replaced by serine, an amino acid with similar properties. This amino acid position is conserved. In addition, this alteration is predicted to be tolerated by in silico analysis. Based on the available evidence, the clinical significance of this variant remains unclear.

NM_001127208.3(TET2):c.64C>T (p.Pro22Ser)

Genes: TET2 (tet methylcytosine dioxygenase 2; plus strand), TET2-AS1 (TET2 antisense RNA 1; minus strand). Cytogenetic location: 4q24.
Variant type: single nucleotide variant.
Coding change: c.64C>T on transcript NM_001127208.3 (MANE Select); coding-DNA position 64, C replaced by T.
Protein change: p.Pro22Ser; replaces proline 22 with serine.
Molecular consequence: missense variant.
Genome position (GRCh38, 1-based): chr4:105,234,006, C>T. VCF-style: chr4-105234006-C-T. GRCh37 (hg19) VCF-style: chr4-106155163-C-T.
Other names: c.64C>T, p.Pro22Ser (NM_017628.4); short protein forms P22S.
Identifiers: ClinVar variation 4594177 (VCV004594177.1).
Genomic context (GRCh38, chr4:105,234,006, plus strand): 5'-GAACAGGATAGAACCAACCATGTTGAGGGCAACAGACTAAGTCCATTCCTGATACCATCA[C>T]CTCCCATTTGCCAGACAGAACCTCTGGCTACAAAGCTCCAGAATGGAAGCCCACTGCCTG-3'
Protein context (NP_001120680.1, residues 12-32): NRLSPFLIPS[Pro22Ser]PICQTEPLAT